The following is an entry in ClinVar:

NM_003482.4(KMT2D):c.3544T>G (p.Cys1182Gly)

Genes: KMT2D (lysine methyltransferase 2D; minus strand), LOC126861520 (CDK7 strongly-dependent group 2 enhancer GRCh37_chr12:49442744-49443943; plus strand). Cytogenetic location: 12q13.12.
Variant type: single nucleotide variant.
Coding change: c.3544T>G on transcript NM_003482.4 (MANE Select); coding-DNA position 3544, T replaced by G.
Protein change: p.Cys1182Gly; replaces cysteine 1182 with glycine.
Molecular consequence: missense variant.
Genome position (GRCh38, 1-based): chr12:49,050,044, A>C on the plus strand (T>G on the coding strand, the complement: KMT2D is on the minus strand). VCF-style: chr12-49050044-A-C. GRCh37 (hg19) VCF-style: chr12-49443827-A-C.
Other names: short protein forms C1182G.
Identifiers: ClinVar variation 3699118 (VCV003699118.2).

ClinVar aggregate classification (germline): Uncertain significance (1 of 4 stars; one submission).

Conditions:
Kabuki syndrome. Also called: NIIKAWA-KUROKI SYNDROME; Kabuki make-up syndrome. Identifiers: Orphanet 2322, MedGen C0796004, MONDO:0016512.

Submission:

Labcorp Genetics (formerly Invitae), Labcorp
Classification: Uncertain significance for Kabuki syndrome. Last evaluated: 2024-05-13. Review status: criteria provided, single submitter. Criteria: Invitae Variant Classification Sherloc (09022015). Collection method: clinical testing. Allele origin: germline.
Comment: This sequence change replaces cysteine, which is neutral and slightly polar, with glycine, which is neutral and non-polar, at codon 1182 of the KMT2D protein (p.Cys1182Gly). This variant is not present in population databases (gnomAD no frequency). This variant has not been reported in the literature in individuals affected with KMT2D-related conditions. Advanced modeling of protein sequence and biophysical properties (such as structural, functional, and spatial information, amino acid conservation, physicochemical variation, residue mobility, and thermodynamic stability) performed at Invitae indicates that this missense variant is not expected to disrupt KMT2D protein function with a negative predictive value of 95%. In summary, the available evidence is currently insufficient to determine the role of this variant in disease. Therefore, it has been classified as a Variant of Uncertain Significance.